The following is an entry in ClinVar:

NM_199355.4(ADAMTS18):c.1426T>A (p.Ser476Thr)

Gene: ADAMTS18 (ADAM metallopeptidase with thrombospondin type 1 motif 18; minus strand). Cytogenetic location: 16q23.1.
Variant type: single nucleotide variant.
Coding change: c.1426T>A on transcript NM_199355.4 (MANE Select); coding-DNA position 1426, T replaced by A.
Protein change: p.Ser476Thr; replaces serine 476 with threonine.
Molecular consequence: missense variant.
Genome position (GRCh38, 1-based): chr16:77,355,974, A>T on the plus strand (T>A on the coding strand, the complement: ADAMTS18 is on the minus strand). VCF-style: chr16-77355974-A-T. GRCh37 (hg19) VCF-style: chr16-77389871-A-T.
Other names: c.910T>A, p.Ser304Thr (NM_001326358.2); short protein forms S304T, S476T.
Identifiers: ClinVar variation 4727966 (VCV004727966.1).

ClinVar aggregate classification (germline): Uncertain significance (1 of 4 stars; one submission).

Submission:

Labcorp Genetics (formerly Invitae), Labcorp
Classification: Uncertain significance. Last evaluated: 2025-10-04. Review status: criteria provided, single submitter. Criteria: Invitae Variant Classification Sherloc (09022015). Collection method: clinical testing. Allele origin: germline.
Comment: This sequence change replaces serine, which is neutral and polar, with threonine, which is neutral and polar, at codon 476 of the ADAMTS18 protein (p.Ser476Thr). This variant is not present in population databases (gnomAD no frequency). This variant has not been reported in the literature in individuals affected with ADAMTS18-related conditions. An algorithm developed to predict the effect of missense changes on protein structure and function (PolyPhen-2) suggests that this variant is likely to be tolerated. In summary, the available evidence is currently insufficient to determine the role of this variant in disease. Therefore, it has been classified as a Variant of Uncertain Significance.